The following is an entry in ClinVar:

ClinVar aggregate classification (germline): Conflicting classifications of pathogenicity. Review status: criteria provided, conflicting classifications (1 of 4 stars). 2 submissions from 2 submitters: Uncertain significance (1); Likely benign (1). Last evaluated 2024-02-24.

Conditions:
Inborn genetic diseases. Identifiers: MedGen C0950123, MeSH D030342.

Allele frequency attached by ClinVar (database versions not stated): gnomAD 0.00001 and 0.00002; gnomAD exomes 0.00002 and 0.00006; TOPMed 0.00002; ExAC 0.00004.
gnomAD v4.1: 33 of 1,613,096 alleles (0.002%); highest among the groups gnomAD compares: Admixed American, 0.017%; no homozygotes.

Submissions (2):

Labcorp Genetics (formerly Invitae), Labcorp
Classification: Uncertain significance. Last evaluated: 2024-02-24. Review status: criteria provided, single submitter. Criteria: Invitae Variant Classification Sherloc (09022015). Collection method: clinical testing. Allele origin: germline.
Comment: This sequence change replaces arginine, which is basic and polar, with tryptophan, which is neutral and slightly polar, at codon 624 of the DLL4 protein (p.Arg624Trp). This variant is present in population databases (rs754788022, gnomAD 0.03%). This variant has not been reported in the literature in individuals affected with DLL4-related conditions. ClinVar contains an entry for this variant (Variation ID: 1434903). Advanced modeling of protein sequence and biophysical properties (such as structural, functional, and spatial information, amino acid conservation, physicochemical variation, residue mobility, and thermodynamic stability) performed at Invitae indicates that this missense variant is not expected to disrupt DLL4 protein function with a negative predictive value of 80%. In summary, the available evidence is currently insufficient to determine the role of this variant in disease. Therefore, it has been classified as a Variant of Uncertain Significance.

Ambry Genetics
Classification: Likely benign for Inborn genetic diseases. Last evaluated: 2022-02-10. Review status: criteria provided, single submitter. Criteria: Ambry Variant Classification Scheme 2023. Collection method: clinical testing. Allele origin: germline.

NM_019074.4(DLL4):c.1870C>T (p.Arg624Trp)

Gene: DLL4 (delta like canonical Notch ligand 4; plus strand). Cytogenetic location: 15q15.1.
Variant type: single nucleotide variant.
Coding change: c.1870C>T on transcript NM_019074.4 (MANE Select); coding-DNA position 1870, C replaced by T.
Protein change: p.Arg624Trp; replaces arginine 624 with tryptophan.
Molecular consequence: missense variant.
Genome position (GRCh38, 1-based): chr15:40,936,857, C>T. VCF-style: chr15-40936857-C-T. GRCh37 (hg19) VCF-style: chr15-41229055-C-T.
Other names: c.1870C>T (NM_019074.3); short protein forms R624W.
Identifiers: ClinVar variation 1434903 (VCV001434903.7), dbSNP rs754788022, ClinGen allele CA7488008.